The following is an entry in ClinVar:

ClinVar aggregate classification (germline): Uncertain significance. Review status: criteria provided, multiple submitters, no conflicts (2 of 4 stars). 2 submissions from 2 submitters: Uncertain significance (2). Last evaluated 2026-01-29.

Conditions:
Hereditary cancer-predisposing syndrome. Also called: Tumor predisposition; Hereditary Cancer Syndrome; Hereditary neoplastic syndrome; Neoplastic Syndromes, Hereditary. Identifiers: Orphanet 140162, MedGen C0027672, MeSH D009386, MONDO:0015356.
Mitochondrial complex II deficiency, nuclear type 1. Also called: SUCCINATE CoQ REDUCTASE DEFICIENCY. Identifiers: Orphanet 3208, MedGen C5700310, MONDO:0100294, OMIM 252011.
Pheochromocytoma/paraganglioma syndrome 5. Also called: Paragangliomas 5; SDHA-Related Hereditary Paraganglioma-Pheochromocytoma Syndrome. Identifiers: Orphanet 29072, MedGen C3279992, MONDO:0013602, OMIM 614165.

Allele frequency attached by ClinVar (database versions not stated): gnomAD exomes below 0.00001.
gnomAD v4.1: 1 of 1,614,054 alleles (0.000062%); highest among the groups gnomAD compares: Admixed American, 0.0017%; no homozygotes.

Submissions (2):

Ambry Genetics
Classification: Uncertain significance for Hereditary cancer-predisposing syndrome. Last evaluated: 2026-01-29. Review status: criteria provided, single submitter. Criteria: Ambry Variant Classification Scheme 2023. Collection method: clinical testing. Allele origin: germline.
Comment: The p.A449P variant (also known as c.1345G>C), located in coding exon 10 of the SDHA gene, results from a G to C substitution at nucleotide position 1345. The alanine at codon 449 is replaced by proline, an amino acid with highly similar properties. This amino acid position is highly conserved in available vertebrate species. In addition, this alteration is predicted to be deleterious by in silico analysis. Since supporting evidence is limited at this time, the clinical significance of this alteration remains unclear.

Labcorp Genetics (formerly Invitae), Labcorp
Classification: Uncertain significance for Pheochromocytoma/paraganglioma syndrome 5; Mitochondrial complex II deficiency, nuclear type 1. Last evaluated: 2022-03-09. Review status: criteria provided, single submitter. Criteria: Invitae Variant Classification Sherloc (09022015). Collection method: clinical testing. Allele origin: germline.
Comment: This variant is present in population databases (no rsID available, gnomAD 0.003%). In summary, the available evidence is currently insufficient to determine the role of this variant in disease. Therefore, it has been classified as a Variant of Uncertain Significance. Algorithms developed to predict the effect of missense changes on protein structure and function are either unavailable or do not agree on the potential impact of this missense change (SIFT: "Deleterious"; PolyPhen-2: "Probably Damaging"; Align-GVGD: "Class C0"). This variant has not been reported in the literature in individuals affected with SDHA-related conditions. This sequence change replaces alanine, which is neutral and non-polar, with proline, which is neutral and non-polar, at codon 449 of the SDHA protein (p.Ala449Pro).

NM_004168.4(SDHA):c.1345G>C (p.Ala449Pro)

Gene: SDHA (succinate dehydrogenase complex flavoprotein subunit A; plus strand). Cytogenetic location: 5p15.33.
Variant type: single nucleotide variant.
Coding change: c.1345G>C on transcript NM_004168.4 (MANE Select); coding-DNA position 1345, G replaced by C.
Protein change: p.Ala449Pro; replaces alanine 449 with proline.
Molecular consequence: missense variant.
Genome position (GRCh38, 1-based): chr5:236,512, G>C. VCF-style: chr5-236512-G-C. GRCh37 (hg19) VCF-style: chr5-236627-G-C.
Other names: c.1201G>C, p.Ala401Pro (NM_001294332.2); c.1345G>C, p.Ala449Pro (NM_001330758.2); short protein forms A449P, A401P.
Identifiers: ClinVar variation 1770467 (VCV001770467.8), dbSNP rs1485193902, ClinGen allele CA359013971.